The following is an entry in ClinVar:

NM_032387.5(WNK4):c.3553C>T (p.Arg1185Cys)

Gene: WNK4 (WNK lysine deficient protein kinase 4; plus strand). Cytogenetic location: 17q21.2.
Variant type: single nucleotide variant.
Coding change: c.3553C>T on transcript NM_032387.5 (MANE Select); coding-DNA position 3553, C replaced by T.
Protein change: p.Arg1185Cys; replaces arginine 1185 with cysteine.
Molecular consequence: missense variant.
Genome position (GRCh38, 1-based): chr17:42,796,244, C>T. VCF-style: chr17-42796244-C-T. GRCh37 (hg19) VCF-style: chr17-40948262-C-T.
Other names: c.2545C>T, p.Arg849Cys (NM_001321299.2); short protein forms R1185C, R849C.
Identifiers: ClinVar variation 7663 (VCV000007663.15), dbSNP rs137853095, ClinGen allele CA254228.
Genomic context (GRCh38, chr17:42,796,244, plus strand): 5'-AGCCGGCTGGGGAAGCAGCCCCCACCGGGTATTGTGGCCCCAGCTGCTATGCTGTCCAGC[C>T]GCCAGCGCCGCCTCTCCAAGGGCAGCTTCCCCACCTCCCGCCGCAACAGCCTACAGCGCT-3'
Protein context (NP_115763.2, residues 1175-1195): IVAPAAMLSS[Arg1185Cys]QRRLSKGSFP

ClinVar aggregate classification (germline): Conflicting classifications of pathogenicity. Review status: criteria provided, conflicting classifications (1 of 4 stars). 7 submissions from 7 submitters: Uncertain significance (3); Likely benign (2). 2 of the submissions do not count toward it. Last evaluated 2025-12-02.

Conditions:
Pseudohypoaldosteronism type 2B (PHA2B). Also called: Pseudohypoaldosteronism Type IIB. Identifiers: Orphanet 757, Orphanet 88939, MedGen C1840390, MONDO:0013777, OMIM 614491.

Allele frequency attached by ClinVar (database versions not stated): gnomAD exomes 0.00015; TOPMed 0.00033; ExAC 0.00019; gnomAD 0.00024.
gnomAD v4.1: 466 of 1,611,272 alleles (0.029%); highest among the groups gnomAD compares: Non-Finnish European, 0.036%; no homozygotes.

Submissions (7):

Labcorp Genetics (formerly Invitae), Labcorp
Classification: Likely benign. Last evaluated: 2025-12-02. Review status: criteria provided, single submitter. Criteria: Invitae Variant Classification Sherloc (09022015). Collection method: clinical testing. Allele origin: germline.

Fulgent Genetics
Classification: Likely benign for Pseudohypoaldosteronism type 2B. Last evaluated: 2024-02-14. Review status: criteria provided, single submitter. Criteria: ACMG Guidelines, 2015. Collection method: clinical testing. Allele origin: germline.

GeneDx
Classification: Uncertain significance. Last evaluated: 2022-01-27. Review status: criteria provided, single submitter. Criteria: GeneDx Variant Classification Process June 2021. Collection method: clinical testing. Allele origin: germline. Affected: yes.
Comment: Observed in three family members with Pseudohypoaldosteronism type II from the published literature (Wilson et al., 2001); Published functional studies demonstrate a damaging effect with reduced baseline inhibition of WNK4 activity and reduced surface expression of sodium chloride cotransporter (NCC) consistent with a gain of function (Cai et al., 2006; Na et al., 2013); In silico analysis supports that this missense variant has a deleterious effect on protein structure/function; This variant is associated with the following publications: (PMID: 16688122, 34927382, 23054253, 11498583, 22114204)

Eurofins Ntd Llc (ga)
Classification: Uncertain significance. Last evaluated: 2018-02-06. Review status: criteria provided, single submitter. Criteria: EGL Classification Definitions 2015. Collection method: clinical testing. Allele origin: germline. Observed: 1 variant allele, 1 heterozygote.

Illumina Laboratory Services, Illumina
Classification: Uncertain significance for Pseudohypoaldosteronism type 2B. Last evaluated: 2017-04-27. Review status: criteria provided, single submitter. Criteria: ICSL Variant Classification Criteria 13 December 2019. Collection method: clinical testing. Allele origin: germline.
Comment: This variant was observed as part of a predisposition screen in an ostensibly healthy population. A literature search was performed for the gene, cDNA change, and amino acid change (where applicable). Publications were found based on this search. However, the evidence from the literature, in combination with allele frequency data from public databases where available, was not sufficient to rule this variant in or out of causing disease. Therefore, this variant is classified as a variant of unknown significance.

OMIM
Classification: Pathogenic for PSEUDOHYPOALDOSTERONISM, TYPE IIB. Last evaluated: 2001-08-10. Review status: no assertion criteria provided. Collection method: literature only. Allele origin: germline. Not counted in ClinVar's aggregate classification.

GeneReviews
No classification provided. Condition: Pseudohypoaldosteronism type 2B. Review status: no classification provided. Collection method: literature only. Allele origin: germline. Not counted in ClinVar's aggregate classification.

Literature cited by the submitters: PubMed 18547946 (cited by Illumina Laboratory Services, Illumina); PubMed 11498583 (cited by Illumina Laboratory Services, Illumina and OMIM); NCBI Bookshelf NBK65707 (cited by GeneReviews).